The following is an entry in ClinVar:

NM_001382430.1(AKT1):c.231C>G (p.Cys77Trp)

Gene: AKT1 (AKT serine/threonine kinase 1; minus strand). Cytogenetic location: 14q32.33.
Variant type: single nucleotide variant.
Coding change: c.231C>G on transcript NM_001382430.1 (MANE Select); coding-DNA position 231, C replaced by G.
Protein change: p.Cys77Trp; replaces cysteine 77 with tryptophan.
Molecular consequence: missense variant.
Genome position (GRCh38, 1-based): chr14:104,776,715, G>C on the plus strand (C>G on the coding strand, the complement: AKT1 is on the minus strand). VCF-style: chr14-104776715-G-C. GRCh37 (hg19) VCF-style: chr14-105243052-G-C.
Other names: c.231C>G, p.Cys77Trp (NM_001014431.2, NM_001014432.2, NM_001382431.1 and 3 more transcripts); short protein forms C77W.
Identifiers: ClinVar variation 1789543 (VCV001789543.2), dbSNP rs2140930310, ClinGen allele CA391220729.

ClinVar aggregate classification (germline): Uncertain significance (1 of 4 stars; one submission).

Conditions:
Inborn genetic diseases. Identifiers: MedGen C0950123, MeSH D030342.

Submission:

Ambry Genetics
Classification: Uncertain significance for Inborn genetic diseases. Last evaluated: 2022-02-22. Review status: criteria provided, single submitter. Criteria: Ambry Variant Classification Scheme 2023. Collection method: clinical testing. Allele origin: germline.
Comment: The p.C77W variant (also known as c.231C>G), located in coding exon 3 of the AKT1 gene, results from a C to G substitution at nucleotide position 231. The cysteine at codon 77 is replaced by tryptophan, an amino acid with highly dissimilar properties. This amino acid position is conserved. In addition, this alteration is predicted to be deleterious by in silico analysis. Since supporting evidence is limited at this time, the clinical significance of this alteration remains unclear.